The following is an entry in ClinVar:

ClinVar aggregate classification (germline): Uncertain significance (1 of 4 stars; one submission).

Conditions:
Beckwith-Wiedemann syndrome (BWS). Also called: Exomphalos macroglossia gigantism syndrome; EMG SYNDROME. Identifiers: Orphanet 116, MedGen C0004903, MONDO:0007534, OMIM 130650.

Allele frequency attached by ClinVar (database versions not stated): TOPMed below 0.00001; gnomAD 0.00001.
gnomAD v4.1: 1 of 1,613,946 alleles (0.000062%); highest among the groups gnomAD compares: Non-Finnish European, 0.000085%; no homozygotes.

Submission:

Labcorp Genetics (formerly Invitae), Labcorp
Classification: Uncertain significance for Beckwith-Wiedemann syndrome. Last evaluated: 2019-01-26. Review status: criteria provided, single submitter. Criteria: Invitae Variant Classification Sherloc (09022015). Collection method: clinical testing. Allele origin: germline.
Comment: This sequence change replaces proline with serine at codon 2223 of the NSD1 protein (p.Pro2223Ser). The proline residue is moderately conserved and there is a moderate physicochemical difference between proline and serine. This variant is not present in population databases (ExAC no frequency). This variant has not been reported in the literature in individuals with NSD1-related conditions. Algorithms developed to predict the effect of missense changes on protein structure and function are either unavailable or do not agree on the potential impact of this missense change (SIFT: "Tolerated"; PolyPhen-2: "Probably Damaging"; Align-GVGD: "Class C0"). In summary, the available evidence is currently insufficient to determine the role of this variant in disease. Therefore, it has been classified as a Variant of Uncertain Significance.

NM_022455.5(NSD1):c.6667C>T (p.Pro2223Ser)

Gene: NSD1 (nuclear receptor binding SET domain protein 1; plus strand). Cytogenetic location: 5q35.3.
Variant type: single nucleotide variant.
Coding change: c.6667C>T on transcript NM_022455.5 (MANE Select); coding-DNA position 6667, C replaced by T.
Protein change: p.Pro2223Ser; replaces proline 2223 with serine.
Molecular consequence: missense variant.
Genome position (GRCh38, 1-based): chr5:177,294,035, C>T. VCF-style: chr5-177294035-C-T. GRCh37 (hg19) VCF-style: chr5-176721036-C-T.
Other names: c.5794C>T, p.Pro1932Ser (NM_001409308.1, NM_172349.5, NM_001365684.2); c.5545C>T, p.Pro1849Ser (NM_001409309.1); c.6667C>T, p.Pro2223Ser (NM_001409301.1, NM_001409302.1, NM_001409303.1); c.6247C>T, p.Pro2083Ser (NM_001409304.1); c.5914C>T, p.Pro1972Ser (NM_001409305.1); c.5905C>T, p.Pro1969Ser (NM_001409306.1, NM_001409307.1); short protein forms P1954S, P2223S, P1932S, P2083S, P1849S, P1969S, P1972S.
Identifiers: ClinVar variation 861947 (VCV000861947.1), dbSNP rs1760070315, ClinGen allele CA362324802.